The following is an entry in ClinVar:

ClinVar aggregate classification (germline): Likely pathogenic (1 of 4 stars; one submission).

Conditions:
Cardiovascular phenotype. Identifiers: MedGen CN230736.

Submission:

Ambry Genetics
Classification: Likely pathogenic for Cardiovascular phenotype. Last evaluated: 2022-05-27. Review status: criteria provided, single submitter. Criteria: Ambry Variant Classification Scheme 2023. Collection method: clinical testing. Allele origin: germline.
Comment: The c.70017dupA variant, located in coding exon 176 of the TTN gene, results from a duplication of A at nucleotide position 70017, causing a translational frameshift with a predicted alternate stop codon (p.G23340Rfs*4). This exon is located in the A-band region of the N2-B isoform of the titin protein and is constitutively expressed in TTN transcripts (percent spliced in or PSI 100%). This alteration is expected to result in loss of function by premature protein truncation or nonsense-mediated mRNA decay. While truncating variants in TTN are present in 1-3% of the general population, truncating variants in the A-band are the most common cause of dilated cardiomyopathy (DCM) (Herman DS et al. N. Engl. J. Med., 2012 Feb;366:619-28; Roberts AM et al. Sci Transl Med, 2015 Jan;7:270ra6). TTN truncating variants encoded in constitutive exons (PSI >90%) have been found to be significantly associated with DCM regardless of their position in titin (Schafer S et al. Nat. Genet., 2017 01;49:46-53). As such, this alteration is classified as likely pathogenic.

NM_001267550.2(TTN):c.97212dup (p.Gly32405fs)

Genes: TTN-AS1 (TTN antisense RNA 1; plus strand), TTN (titin; minus strand). Cytogenetic location: 2q31.2.
Variant type: Duplication.
Coding change: c.97212dup on transcript NM_001267550.2 (MANE Select); coding-DNA position 97212, one base duplicated (A; older notation c.97212dupA).
Protein change: p.Gly32405fs; shifts the reading frame from glycine 32405.
Molecular consequence: frameshift variant.
Genome position (GRCh38, 1-based): chr2:178,542,544, T duplicated on the plus strand (A on the coding strand, the reverse complement: TTN is on the minus strand). VCF-style (leftmost placement, unchanged base first): chr2-178542543-C-CT. GRCh37 (hg19) VCF-style: chr2-179407270-C-CT.
Other names: c.92289dup, p.Gly30764fs (NM_001256850.1); c.70017dup, p.Gly23340fs (NM_003319.4); c.89508dup, p.Gly29837fs (NM_133378.4); c.70392dup, p.Gly23465fs (NM_133432.3); c.70593dup, p.Gly23532fs (NM_133437.4); c.70017dupA (NM_003319.4); short protein forms G29837fs, G30764fs, G23340fs, G23532fs, G23465fs, G32405fs.
Identifiers: ClinVar variation 1756644 (VCV001756644.2), dbSNP rs2468893752, ClinGen allele CA2580064582.